The following is an entry in ClinVar:

ClinVar aggregate classification (germline): Uncertain significance. Review status: criteria provided, multiple submitters, no conflicts (2 of 4 stars). 2 submissions from 2 submitters: Uncertain significance (2). Last evaluated 2025-12-16.

Conditions:
Inborn genetic diseases. Identifiers: MedGen C0950123, MeSH D030342.

Allele frequency attached by ClinVar (database versions not stated): gnomAD exomes below 0.00001; ExAC 0.00001.
gnomAD v4.1: 4 of 1,612,226 alleles (0.00025%); highest among the groups gnomAD compares: Middle Eastern, 0.017%; no homozygotes.

Submissions (2):

Labcorp Genetics (formerly Invitae), Labcorp
Classification: Uncertain significance. Last evaluated: 2025-12-16. Review status: criteria provided, single submitter. Criteria: Invitae Variant Classification Sherloc (09022015). Collection method: clinical testing. Allele origin: germline.
Comment: This sequence change replaces cysteine, which is neutral and slightly polar, with serine, which is neutral and polar, at codon 235 of the RETREG1 protein (p.Cys235Ser). This variant is present in population databases (rs747446867, gnomAD 0.002%). This variant has not been reported in the literature in individuals affected with RETREG1-related conditions. ClinVar contains an entry for this variant (Variation ID: 933927). Invitae Evidence Modeling of protein sequence and biophysical properties (such as structural, functional, and spatial information, amino acid conservation, physicochemical variation, residue mobility, and thermodynamic stability) indicates that this missense variant is not expected to disrupt RETREG1 protein function with a negative predictive value of 80%. In summary, the available evidence is currently insufficient to determine the role of this variant in disease. Therefore, it has been classified as a Variant of Uncertain Significance.

Ambry Genetics
Classification: Uncertain significance for Inborn genetic diseases. Last evaluated: 2025-08-08. Review status: criteria provided, single submitter. Criteria: Ambry Variant Classification Scheme 2023. Collection method: clinical testing. Allele origin: germline.

NM_001034850.3(RETREG1):c.703T>A (p.Cys235Ser)

Gene: RETREG1 (reticulophagy regulator 1; minus strand). Cytogenetic location: 5p15.1.
Variant type: single nucleotide variant.
Coding change: c.703T>A on transcript NM_001034850.3 (MANE Select); coding-DNA position 703, T replaced by A.
Protein change: p.Cys235Ser; replaces cysteine 235 with serine.
Molecular consequence: missense variant.
Genome position (GRCh38, 1-based): chr5:16,478,955, A>T on the plus strand (T>A on the coding strand, the complement: RETREG1 is on the minus strand). VCF-style: chr5-16478955-A-T. GRCh37 (hg19) VCF-style: chr5-16479064-A-T.
Other names: c.280T>A, p.Cys94Ser (NM_019000.5); c.703T>A (NM_001034850.1); short protein forms C94S, C235S.
Identifiers: ClinVar variation 933927 (VCV000933927.9), dbSNP rs747446867, ClinGen allele CA3210359.